The following is an entry in ClinVar:

NM_015041.3(CLUAP1):c.542C>G (p.Thr181Ser)

Gene: CLUAP1 (clusterin associated protein 1; plus strand). Cytogenetic location: 16p13.3.
Variant type: single nucleotide variant.
Coding change: c.542C>G on transcript NM_015041.3 (MANE Select); coding-DNA position 542, C replaced by G.
Protein change: p.Thr181Ser; replaces threonine 181 with serine.
Molecular consequence: missense variant.
Genome position (GRCh38, 1-based): chr16:3,515,554, C>G. VCF-style: chr16-3515554-C-G. GRCh37 (hg19) VCF-style: chr16-3565554-C-G.
Other names: c.542C>G, p.Thr181Ser (NM_001330454.2); c.44C>G, p.Thr15Ser (NM_024793.3); short protein forms T181S, T15S.
Identifiers: ClinVar variation 2786951 (VCV002786951.3), dbSNP rs2037714028, ClinGen allele CA394512984.

ClinVar aggregate classification (germline): Uncertain significance (1 of 4 stars; one submission).

Allele frequency attached by ClinVar (database versions not stated): TOPMed 0.00001.

Submission:

Labcorp Genetics (formerly Invitae), Labcorp
Classification: Uncertain significance. Last evaluated: 2022-12-24. Review status: criteria provided, single submitter. Criteria: Invitae Variant Classification Sherloc (09022015). Collection method: clinical testing. Allele origin: germline.
Comment: Algorithms developed to predict the effect of missense changes on protein structure and function (SIFT, PolyPhen-2, Align-GVGD) all suggest that this variant is likely to be tolerated. This variant has not been reported in the literature in individuals affected with CLUAP1-related conditions. This variant is not present in population databases (gnomAD no frequency). This sequence change replaces threonine, which is neutral and polar, with serine, which is neutral and polar, at codon 181 of the CLUAP1 protein (p.Thr181Ser). In summary, the available evidence is currently insufficient to determine the role of this variant in disease. Therefore, it has been classified as a Variant of Uncertain Significance.